The following is an entry in ClinVar:

ClinVar aggregate classification (germline): Uncertain significance. Review status: criteria provided, multiple submitters, no conflicts (2 of 4 stars). 5 submissions from 5 submitters: Uncertain significance (5). Last evaluated 2026-05-28.

Conditions:
Cardiovascular phenotype. Identifiers: MedGen CN230736.
Familial hypercholesterolemia. Also called: Familial hypercholesterolemias; Familial hypercholesterolaemia. Identifiers: MedGen C0020445, MONDO:0005439.
Hypercholesterolemia, autosomal dominant, 3 (FHCL3). Also called: Familial Hypercholesterolemia, Autosomal Dominant, 3; Familial hypercholesterolemia 3; PCSK9-Related Familial Hypercholesterolemia, Autosomal Dominant. Identifiers: MedGen C1863551, MONDO:0011369, OMIM 603776.

Allele frequency attached by ClinVar (database versions not stated): gnomAD 0.00002; TOPMed 0.00003; gnomAD exomes below 0.00001.
gnomAD v4.1: 6 of 1,613,758 alleles (0.00037%); highest among the groups gnomAD compares: African/African-American, 0.0067%; no homozygotes.

Submissions (5):

Ambry Genetics
Classification: Uncertain significance for Cardiovascular phenotype. Last evaluated: 2026-05-28. Review status: criteria provided, single submitter. Criteria: Ambry Variant Classification Scheme 2023. Collection method: clinical testing. Allele origin: germline.
Comment: The p.Y183H variant (also known as c.547T>C), located in coding exon 4 of the PCSK9 gene, results from a T to C substitution at nucleotide position 547. The tyrosine at codon 183 is replaced by histidine, an amino acid with similar properties. This amino acid position is conserved. In addition, the in silico prediction for this alteration is inconclusive. Based on the available evidence, the clinical significance of this variant remains unclear.

GeneDx
Classification: Uncertain significance. Last evaluated: 2025-05-28. Review status: criteria provided, single submitter. Criteria: GeneDx Variant Classification Process June 2021. Collection method: clinical testing. Allele origin: germline. Affected: yes.
Comment: Not observed at significant frequency in large population cohorts (gnomAD); In silico analysis supports that this missense variant has a deleterious effect on protein structure/function; Has not been previously published as pathogenic or benign to our knowledge

Color Diagnostics, LLC DBA Color Health
Classification: Uncertain significance for Familial hypercholesterolemia. Last evaluated: 2024-03-07. Review status: criteria provided, single submitter. Criteria: ACMG Guidelines, 2015. Collection method: clinical testing. Allele origin: germline.
Comment: This missense variant replaces tyrosine with histidine at codon 183 of the PCSK9 protein. Computational prediction suggests that this variant may have deleterious impact on protein structure and function (internally defined REVEL score threshold >= 0.7, PMID: 27666373). To our knowledge, functional studies have not been reported for this variant. This variant has not been reported in individuals affected with familial hypercholesterolemia in the literature. This variant has been identified in 1/251386 chromosomes in the general population by the Genome Aggregation Database (gnomAD). The available evidence is insufficient to determine the role of this variant in disease conclusively. Therefore, this variant is classified as a Variant of Uncertain Significance.

All of Us Research Program, National Institutes of Health
Classification: Uncertain significance for Hypercholesterolemia, autosomal dominant, 3. Last evaluated: 2023-10-06. Review status: criteria provided, single submitter. Criteria: ACMG Guidelines, 2015. Collection method: clinical testing. Allele origin: germline. Inheritance: Autosomal dominant inheritance. Observed: 1 variant allele, 1 heterozygote.
Comment: This missense variant replaces tyrosine with histidine at codon 183 of the PCSK9 protein. Computational prediction suggests that this variant may have deleterious impact on protein structure and function (internally defined REVEL score threshold >= 0.7, PMID: 27666373). To our knowledge, functional studies have not been reported for this variant. This variant has not been reported in individuals affected with familial hypercholesterolemia in the literature. This variant has been identified in 1/251386 chromosomes in the general population by the Genome Aggregation Database (gnomAD). The available evidence is insufficient to determine the role of this variant in disease conclusively. Therefore, this variant is classified as a Variant of Uncertain Significance.

This study involves interpretation of variants in research participants for the purpose of population health screening. Participant phenotype was not available at the time of variant classification. Additional details can be found in publication PMID: 35346344, PMCID: PMC8962531

Women's Health and Genetics/Laboratory Corporation of America, LabCorp
Classification: Uncertain significance. Last evaluated: 2023-02-05. Review status: criteria provided, single submitter. Criteria: LabCorp Variant Classification Summary - May 2015. Collection method: clinical testing. Allele origin: germline.

NM_174936.4(PCSK9):c.547T>C (p.Tyr183His)

Gene: PCSK9 (proprotein convertase subtilisin/kexin type 9; plus strand). Cytogenetic location: 1p32.3.
Variant type: single nucleotide variant.
Coding change: c.547T>C on transcript NM_174936.4 (MANE Select); coding-DNA position 547, T replaced by C.
Protein change: p.Tyr183His; replaces tyrosine 183 with histidine.
Molecular consequence: missense variant.
Genome position (GRCh38, 1-based): chr1:55,052,301, T>C. VCF-style: chr1-55052301-T-C. GRCh37 (hg19) VCF-style: chr1-55517974-T-C.
Other names: c.670T>C, p.Tyr224His (NM_001407240.1); c.547T>C, p.Tyr183His (NM_001407241.1, NM_001407242.1, NM_001407244.1 and 1 more transcripts); c.490T>C, p.Tyr164His (NM_001407243.1); c.355T>C, p.Tyr119His (NM_001407245.1); c.172T>C, p.Tyr58His (NM_001407246.1); short protein forms Y119H, Y164H, Y183H, Y224H, Y58H.
Identifiers: ClinVar variation 2445723 (VCV002445723.6), dbSNP rs1336428560, ClinGen allele CA340473036.